The following is an entry in ClinVar:

NM_004415.4(DSP):c.1222A>T (p.Asn408Tyr)

Gene: DSP (desmoplakin; plus strand). Cytogenetic location: 6p24.3.
Variant type: single nucleotide variant.
Coding change: c.1222A>T on transcript NM_004415.4 (MANE Select); coding-DNA position 1222, A replaced by T.
Protein change: p.Asn408Tyr; replaces asparagine 408 with tyrosine.
Molecular consequence: missense variant.
Genome position (GRCh38, 1-based): chr6:7,567,862, A>T. VCF-style: chr6-7567862-A-T. GRCh37 (hg19) VCF-style: chr6-7568095-A-T.
Other names: c.1222A>T, p.Asn408Tyr (NM_001008844.3, NM_001319034.2, NM_001406591.1); short protein forms N408Y.
Identifiers: ClinVar variation 3071252 (VCV003071252.1), dbSNP rs142129767, ClinGen allele CA362676172.

ClinVar aggregate classification (germline): Uncertain significance (1 of 4 stars; one submission).

Conditions:
Arrhythmogenic cardiomyopathy with wooly hair and keratoderma. Also called: PALMOPLANTAR KERATODERMA WITH LEFT VENTRICULAR CARDIOMYOPATHY AND WOOLLY HAIR; Carvajal syndrome; Dilated cardiomyopathy with woolly hair and keratoderma; Arrhythmogenic cardiomyopathy with woolly hair and keratoderma. Identifiers: Orphanet 65282, MedGen C1854063, MONDO:0011581, OMIM 605676.

Submission:

All of Us Research Program, National Institutes of Health
Classification: Uncertain significance for Arrhythmogenic cardiomyopathy with wooly hair and keratoderma. Last evaluated: 2023-05-16. Review status: criteria provided, single submitter. Criteria: ACMG Guidelines, 2015. Collection method: clinical testing. Allele origin: germline. Inheritance: Autosomal dominant inheritance. Observed: 1 variant allele, 1 heterozygote.
Comment: This missense variant replaces asparagine with tyrosine at codon 408 of the DSP protein. Computational prediction suggests that this variant may not impact protein structure and function (internally defined REVEL score threshold <= 0.5, PMID: 27666373). To our knowledge, functional studies have not been reported for this variant. This variant has not been reported in individuals affected with DSP-related disorders in the literature. This variant has not been identified in the general population by the Genome Aggregation Database (gnomAD). The available evidence is insufficient to determine the role of this variant in disease conclusively. Therefore, this variant is classified as a Variant of Uncertain Significance.

This study involves interpretation of variants in research participants for the purpose of population health screening. Participant phenotype was not available at the time of variant classification. Additional details can be found in publication PMID: 35346344, PMCID: PMC8962531